The following is an entry in ClinVar:

ClinVar aggregate classification (germline): Benign/Likely benign. Review status: criteria provided, multiple submitters, no conflicts (2 of 4 stars). 5 submissions from 5 submitters: Benign (2); Likely benign (3). Last evaluated 2026-07-01.

Allele frequency attached by ClinVar (database versions not stated): gnomAD exomes 0.00079 and 0.00319; ExAC 0.00095; gnomAD 0.00201 and 0.00210; TOPMed 0.00296; 1000 Genomes Project 0.00359.
gnomAD v4.1: 1,469 of 1,588,050 alleles (0.093%); highest among the groups gnomAD compares: Admixed American, 1.8%; 27 homozygotes.

Submissions (5):

CeGaT Center for Human Genetics Tuebingen
Classification: Likely benign. Last evaluated: 2026-07-01. Review status: criteria provided, single submitter. Criteria: CeGaT Center For Human Genetics Tuebingen Variant Classification Criteria Version 2. Collection method: clinical testing. Allele origin: germline. Affected: yes. Observed: 7 variant alleles.
Comment: CITED2: BS1

Mayo Clinic Laboratories, Mayo Clinic
Classification: Benign. Last evaluated: 2025-07-31. Review status: criteria provided, single submitter. Criteria: ACMG Guidelines, 2015. Collection method: clinical testing. Allele origin: germline. Observed: 1 variant allele.
Comment: BS1, BS2

Labcorp Genetics (formerly Invitae), Labcorp
Classification: Benign. Last evaluated: 2019-12-31. Review status: criteria provided, single submitter. Criteria: Invitae Variant Classification Sherloc (09022015). Collection method: clinical testing. Allele origin: germline.

GeneDx
Classification: Likely benign. Last evaluated: 2018-08-06. Review status: criteria provided, single submitter. Criteria: GeneDx Variant Classification (06012015). Collection method: clinical testing. Allele origin: germline. Affected: yes.
Comment: This variant is considered likely benign or benign based on one or more of the following criteria: it is a conservative change, it occurs at a poorly conserved position in the protein, it is predicted to be benign by multiple in silico algorithms, and/or has population frequency not consistent with disease.

Breakthrough Genomics
Classification: Likely benign. Review status: criteria provided, single submitter. Criteria: ACMG Guidelines, 2015. Collection method: not provided. Allele origin: germline. Inheritance: Autosomal dominant inheritance. Affected: yes.

Literature cited by the submitters: PubMed 29368431 (cited by Mayo Clinic Laboratories, Mayo Clinic).

NM_006079.5(CITED2):c.574A>G (p.Ser192Gly)

Genes: CITED2 (Cbp/p300 interacting transactivator with ED-rich tail 2; minus strand), LOC129997307 (ATAC-STARR-seq lymphoblastoid silent region 17609; plus strand). Cytogenetic location: 6q24.1.
Variant type: single nucleotide variant.
Coding change: c.574A>G on transcript NM_006079.5 (MANE Select); coding-DNA position 574, A replaced by G.
Protein change: p.Ser192Gly; replaces serine 192 with glycine.
Molecular consequence: missense variant.
Genome position (GRCh38, 1-based): chr6:139,373,371, T>C on the plus strand (A>G on the coding strand, the complement: CITED2 is on the minus strand). VCF-style: chr6-139373371-T-C. GRCh37 (hg19) VCF-style: chr6-139694508-T-C.
Other names: p.Ser192Gly; c.574A>G, p.Ser192Gly (NM_001168388.3); c.589A>G, p.Ser197Gly (NM_001168389.3); short protein forms S192G, S197G.
Identifiers: ClinVar variation 668342 (VCV000668342.24), dbSNP rs563655306, ClinGen allele CA4025578.